The following is an entry in ClinVar:

ClinVar aggregate classification (germline): Uncertain significance (1 of 4 stars; one submission).

Conditions:
Cardiovascular phenotype. Identifiers: MedGen CN230736.

gnomAD v4.1: 5 of 1,549,542 alleles (0.00032%); highest among the groups gnomAD compares: Admixed American, 0.0078%; no homozygotes.

Submission:

Ambry Genetics
Classification: Uncertain significance for Cardiovascular phenotype. Last evaluated: 2025-08-31. Review status: criteria provided, single submitter. Criteria: Ambry Variant Classification Scheme 2023. Collection method: clinical testing. Allele origin: germline.
Comment: The p.A772G variant (also known as c.2315C>G), located in coding exon 3 of the TNXB gene, results from a C to G substitution at nucleotide position 2315. The alanine at codon 772 is replaced by glycine, an amino acid with similar properties. This amino acid position is conserved. In addition, this alteration is predicted to be tolerated by in silico analysis. Based on the available evidence, the clinical significance of this variant remains unclear.

NM_001365276.2(TNXB):c.2315C>G (p.Ala772Gly)

Gene: TNXB (tenascin XB; minus strand). Cytogenetic location: 6p21.33.
Variant type: single nucleotide variant.
Coding change: c.2315C>G on transcript NM_001365276.2 (MANE Select); coding-DNA position 2315, C replaced by G.
Protein change: p.Ala772Gly; replaces alanine 772 with glycine.
Molecular consequence: missense variant.
Genome position (GRCh38, 1-based): chr6:32,095,119, G>C on the plus strand (C>G on the coding strand, the complement: TNXB is on the minus strand). VCF-style: chr6-32095119-G-C. GRCh37 (hg19) VCF-style: chr6-32062896-G-C.
Other names: c.2315C>G, p.Ala772Gly (NM_001428335.1, NM_019105.8); short protein forms A772G.
Identifiers: ClinVar variation 4188735 (VCV004188735.1).